The following is an entry in ClinVar:

NM_001278293.3(ARL6):c.96G>A (p.Thr32=)

Gene: ARL6 (ARF like GTPase 6; plus strand). Cytogenetic location: 3q11.2.
Variant type: single nucleotide variant.
Coding change: c.96G>A on transcript NM_001278293.3 (MANE Select); coding-DNA position 96, G replaced by A.
Protein change: p.Thr32=; no amino-acid change (threonine 32 retained).
Molecular consequence: synonymous variant. On other transcripts: non-coding transcript variant (7).
Genome position (GRCh38, 1-based): chr3:97,768,203, G>A. VCF-style: chr3-97768203-G-A. GRCh37 (hg19) VCF-style: chr3-97487047-G-A.
Other names: c.96G>A, p.Thr32= (NM_001323513.2, NM_001323514.2, NM_032146.5 and 1 more transcripts).
Identifiers: ClinVar variation 1080954 (VCV001080954.8), dbSNP rs771538955, ClinGen allele CA2505851.

ClinVar aggregate classification (germline): Likely benign. Review status: criteria provided, multiple submitters, no conflicts (2 of 4 stars). 2 submissions from 2 submitters: Likely benign (2). Last evaluated 2026-05-11.

Conditions:
ARL6-related disorder. Also called: ARL6-related condition.
Retinitis pigmentosa 55 (RP55). Identifiers: Orphanet 791, MedGen C3150808, MONDO:0013312, OMIM 613575.
Bardet-Biedl syndrome 3 (BBS3). Identifiers: Orphanet 110, MedGen C1859564, MONDO:0010832, OMIM 600151.

Allele frequency attached by ClinVar (database versions not stated): gnomAD 0.00001; gnomAD exomes 0.00001; ExAC 0.00002; TOPMed 0.00002.

Submissions (2):

PreventionGenetics, part of Exact Sciences
Classification: Likely benign for ARL6-related condition. Last evaluated: 2026-05-11. Review status: criteria provided, single submitter. Criteria: ACMG Guidelines, 2015. Collection method: clinical testing. Allele origin: germline.
Comment: This variant is classified as likely benign based on ACMG/AMP sequence variant interpretation guidelines (Richards et al. 2015 PMID: 25741868, with internal and published modifications).

Labcorp Genetics (formerly Invitae), Labcorp
Classification: Likely benign for Retinitis pigmentosa 55; Bardet-Biedl syndrome 3. Last evaluated: 2024-02-22. Review status: criteria provided, single submitter. Criteria: Invitae Variant Classification Sherloc (09022015). Collection method: clinical testing. Allele origin: germline.